The following is an entry in ClinVar:

NM_004186.5(SEMA3F):c.1753C>T (p.Arg585Cys)

Gene: SEMA3F (semaphorin 3F; plus strand). Cytogenetic location: 3p21.31.
Variant type: single nucleotide variant.
Coding change: c.1753C>T on transcript NM_004186.5 (MANE Select); coding-DNA position 1753, C replaced by T.
Protein change: p.Arg585Cys; replaces arginine 585 with cysteine.
Molecular consequence: missense variant.
Genome position (GRCh38, 1-based): chr3:50,186,288, C>T. VCF-style: chr3-50186288-C-T. GRCh37 (hg19) VCF-style: chr3-50223721-C-T.
Other names: c.1456C>T, p.Arg486Cys (NM_001318798.2); c.1660C>T, p.Arg554Cys (NM_001318800.2); short protein forms R486C, R554C, R585C.
Identifiers: ClinVar variation 3029239 (VCV003029239.2), dbSNP rs766306228, ClinGen allele CA2412219.

ClinVar aggregate classification (germline): Uncertain significance (0 of 4 stars; one submission).

Conditions:
SEMA3F-related disorder. Also called: SEMA3F-related condition.

Allele frequency attached by ClinVar (database versions not stated): ExAC 0.00001; gnomAD 0.00001; TOPMed 0.00001.
gnomAD v4.1: 7 of 1,613,566 alleles (0.00043%); highest among the groups gnomAD compares: Admixed American, 0.0017%; no homozygotes.

Submission:

PreventionGenetics, part of Exact Sciences
Classification: Uncertain significance for SEMA3F-related condition. Last evaluated: 2024-02-22. Review status: no assertion criteria provided. Collection method: clinical testing. Allele origin: germline.
Comment: The SEMA3F c.1753C>T variant is predicted to result in the amino acid substitution p.Arg585Cys. To our knowledge, this variant has not been reported in the literature. This variant is reported in 0.00088% of alleles in individuals of European (Non-Finnish) descent in gnomAD. At this time, the clinical significance of this variant is uncertain due to the absence of conclusive functional and genetic evidence.